The following is an entry in ClinVar:

NM_001999.4(FBN2):c.203C>T (p.Ala68Val)

Gene: FBN2 (fibrillin 2; minus strand). Cytogenetic location: 5q23.3.
Variant type: single nucleotide variant.
Coding change: c.203C>T on transcript NM_001999.4 (MANE Select); coding-DNA position 203, C replaced by T.
Protein change: p.Ala68Val; replaces alanine 68 with valine.
Molecular consequence: missense variant.
Genome position (GRCh38, 1-based): chr5:128,537,401, G>A on the plus strand (C>T on the coding strand, the complement: FBN2 is on the minus strand). VCF-style: chr5-128537401-G-A. GRCh37 (hg19) VCF-style: chr5-127873094-G-A.
Other names: p.A68V:GCC>GTC; short protein forms A68V.
Identifiers: ClinVar variation 94020 (VCV000094020.49), dbSNP rs62390671, ClinGen allele CA285509.

ClinVar aggregate classification (germline): Benign/Likely benign. Review status: criteria provided, multiple submitters, no conflicts (2 of 4 stars). 17 submissions from 16 submitters: Benign (13); Likely benign (1). 3 of the submissions do not count toward it. Last evaluated 2026-02-04.

Conditions:
Connective tissue disorder. Also called: Connective tissue disease. Identifiers: MedGen C0009782, MONDO:0003900.
Ehlers-Danlos syndrome (EDS). Identifiers: Orphanet 98249, MedGen C0013720, MONDO:0020066.
Congenital contractural arachnodactyly (CCA). Also called: BEALS SYNDROME; Arthrogryposis, distal, type 9; Beals-Hecht syndrome. Identifiers: Orphanet 115, MedGen C0220668, MONDO:0007363, OMIM 121050.
Familial thoracic aortic aneurysm and aortic dissection (TAAD). Also called: Thoracic aortic aneurysms and dissections. Identifiers: Orphanet 91387, MedGen C4707243, MONDO:0019625.

Allele frequency attached by ClinVar (database versions not stated): 1000 Genomes Project 0.01478; 1000 Genomes Project 30x 0.01577; gnomAD 0.03303 and 0.03159; ExAC 0.03314; ESP Exome Variant Server 0.03554; gnomAD exomes 0.03037 and 0.04225; TOPMed 0.03105.
gnomAD v4.1: 66,129 of 1,610,132 alleles (4.1%); highest among the groups gnomAD compares: Non-Finnish European, 4.8%; 1,512 homozygotes.

Submissions (17):

Labcorp Genetics (formerly Invitae), Labcorp
Classification: Benign for Congenital contractural arachnodactyly. Last evaluated: 2026-02-04. Review status: criteria provided, single submitter. Criteria: Invitae Variant Classification Sherloc (09022015). Collection method: clinical testing. Allele origin: germline.

ARUP Laboratories, Molecular Genetics and Genomics, ARUP Laboratories
Classification: Benign. Last evaluated: 2025-07-23. Review status: criteria provided, single submitter. Criteria: ARUP Molecular Germline Variant Investigation Process 2024. Collection method: clinical testing. Allele origin: germline.

Blueprint Genetics
Classification: Benign. Last evaluated: 2024-11-26. Review status: criteria provided, single submitter. Criteria: ACMG Guidelines, 2015. Collection method: clinical testing. Allele origin: germline.

Women's Health and Genetics/Laboratory Corporation of America, LabCorp
Classification: Likely benign. Last evaluated: 2023-04-10. Review status: criteria provided, single submitter. Criteria: LabCorp Variant Classification Summary - May 2015. Collection method: clinical testing. Allele origin: germline.

Genome Diagnostics Laboratory, The Hospital for Sick Children
Classification: Benign for Ehlers-Danlos syndrome. Last evaluated: 2022-06-17. Review status: criteria provided, single submitter. Criteria: ACMG Guidelines, 2015. Collection method: clinical testing. Allele origin: germline.

Genome Diagnostics Laboratory, The Hospital for Sick Children
Classification: Benign for Connective tissue disorder. Last evaluated: 2022-04-23. Review status: criteria provided, single submitter. Criteria: ACMG Guidelines, 2015. Collection method: clinical testing. Allele origin: germline.

GeneDx
Classification: Benign. Last evaluated: 2021-02-12. Review status: criteria provided, single submitter. Criteria: GeneDx Variant Classification Process June 2021. Collection method: clinical testing. Allele origin: germline. Affected: yes.

Illumina Laboratory Services, Illumina
Classification: Benign for Congenital contractural arachnodactyly. Last evaluated: 2018-01-12. Review status: criteria provided, single submitter. Criteria: ICSL Variant Classification Criteria 13 December 2019. Collection method: clinical testing. Allele origin: germline.
Comment: This variant was observed in the ICSL laboratory as part of a predisposition screen in an ostensibly healthy population. It had not been previously curated by ICSL or reported in the Human Gene Mutation Database (HGMD: prior to June 1st, 2018), and was therefore a candidate for classification through an automated scoring system. Utilizing variant allele frequency, disease prevalence and penetrance estimates, and inheritance mode, an automated score was calculated to assess if this variant is too frequent to cause the disease. Based on the score and internal cut-off values, a variant classified as benign is not then subjected to further curation. The score for this variant resulted in a classification of benign for this disease.

Genome Diagnostics Laboratory, University Medical Center Utrecht
Classification: Benign for Congenital contractural arachnodactyly. Last evaluated: 2014-10-09. Review status: criteria provided, single submitter. Criteria: ACGS Guidelines, 2013. Collection method: clinical testing. Allele origin: germline. Affected: yes. Study: VKGL Data-share Consensus.

Ambry Genetics
Classification: Benign for Familial thoracic aortic aneurysm and aortic dissection. Last evaluated: 2014-06-03. Review status: criteria provided, single submitter. Criteria: Ambry Variant Classification Scheme 2023. Collection method: clinical testing. Allele origin: germline.

Mayo Clinic Laboratories, Mayo Clinic
Classification: Benign. Last evaluated: 2014-04-03. Review status: criteria provided, single submitter. Criteria: ACMG Guidelines, 2015. Collection method: clinical testing. Allele origin: germline. Observed: 174 variant alleles.

Eurofins Ntd Llc (ga)
Classification: Benign. Last evaluated: 2013-09-06. Review status: criteria provided, single submitter. Criteria: EGL Classification Definitions 2015. Collection method: clinical testing. Allele origin: germline. Observed: 4 variant alleles, 4 heterozygotes.

Laboratory for Molecular Medicine, Mass General Brigham Personalized Medicine
Classification: Benign. Last evaluated: 2013-04-04. Review status: criteria provided, single submitter. Criteria: LMM Criteria. Collection method: clinical testing. Allele origin: germline. Observed: 1 variant allele.
Comment: Ala68Val in exon 1 of FBN2: This variant is not expected to have clinical signif icance because it has been identified in 4.7% (400/8582) of European American ch romosomes from a broad population by the NHLBI Exome Sequencing Project (dbSNP rs62390671).

PreventionGenetics, part of Exact Sciences
Classification: Benign. Review status: criteria provided, single submitter. Criteria: ACMG Guidelines, 2015. Collection method: clinical testing. Allele origin: germline.

Genome Diagnostics Laboratory, Amsterdam University Medical Center
Classification: Benign for Congenital contractural arachnodactyly. Last evaluated: 2014-02-04. Review status: no assertion criteria provided. Criteria: ACGS Guidelines, 2013. Collection method: clinical testing. Allele origin: germline. Affected: yes. Study: VKGL Data-share Consensus. Not counted in ClinVar's aggregate classification.

Genetic Services Laboratory, University of Chicago
Classification: Likely benign for AllHighlyPenetrant. Review status: no assertion criteria provided. Collection method: clinical testing. Allele origin: germline. Inheritance: Autosomal dominant inheritance. Not counted in ClinVar's aggregate classification.
Comment: Likely benign based on allele frequency in 1000 Genomes Project or ESP global frequency and its presence in a patient with a rare or unrelated disease phenotype. NOT Sanger confirmed.

Laboratory of Diagnostic Genome Analysis, Leiden University Medical Center (LUMC)
Classification: Benign. Review status: no assertion criteria provided. Collection method: clinical testing. Allele origin: germline. Affected: yes. Study: VKGL Data-share Consensus. Not counted in ClinVar's aggregate classification.